The following is an entry in ClinVar:

NM_003924.4(PHOX2B):c.344G>A (p.Arg115Lys)

Gene: PHOX2B (paired like homeobox 2B; minus strand). Cytogenetic location: 4p13.
Variant type: single nucleotide variant.
Coding change: c.344G>A on transcript NM_003924.4 (MANE Select); coding-DNA position 344, G replaced by A.
Protein change: p.Arg115Lys; replaces arginine 115 with lysine.
Molecular consequence: missense variant.
Genome position (GRCh38, 1-based): chr4:41,747,434, C>T on the plus strand (G>A on the coding strand, the complement: PHOX2B is on the minus strand). VCF-style: chr4-41747434-C-T. GRCh37 (hg19) VCF-style: chr4-41749451-C-T.
Other names: short protein forms R115K.
Identifiers: ClinVar variation 861707 (VCV000861707.11), dbSNP rs1347766910, ClinGen allele CA356740198.

ClinVar aggregate classification (germline): Uncertain significance. Review status: criteria provided, multiple submitters, no conflicts (2 of 4 stars). 2 submissions from 2 submitters: Uncertain significance (2). Last evaluated 2025-07-30.

Conditions:
Hereditary cancer-predisposing syndrome. Also called: Tumor predisposition; Hereditary neoplastic syndrome; Neoplastic Syndromes, Hereditary; Hereditary Cancer Syndrome. Identifiers: Orphanet 140162, MedGen C0027672, MeSH D009386, MONDO:0015356.
Haddad syndrome (OHD). Also called: Ondine-Hirschsprung disease. Identifiers: Orphanet 99803, MedGen C1859049, MONDO:0020493.

Allele frequency attached by ClinVar (database versions not stated): TOPMed below 0.00001; gnomAD exomes 0.00001.
gnomAD v4.1: 4 of 1,610,924 alleles (0.00025%); highest among the groups gnomAD compares: South Asian, 0.0011%; no homozygotes.

Submissions (2):

Labcorp Genetics (formerly Invitae), Labcorp
Classification: Uncertain significance for Haddad syndrome. Last evaluated: 2025-07-30. Review status: criteria provided, single submitter. Criteria: Invitae Variant Classification Sherloc (09022015). Collection method: clinical testing. Allele origin: germline.
Comment: This sequence change replaces arginine, which is basic and polar, with lysine, which is basic and polar, at codon 115 of the PHOX2B protein (p.Arg115Lys). This variant is not present in population databases (gnomAD no frequency). This variant has not been reported in the literature in individuals affected with PHOX2B-related conditions. ClinVar contains an entry for this variant (Variation ID: 861707). Invitae Evidence Modeling of protein sequence and biophysical properties (such as structural, functional, and spatial information, amino acid conservation, physicochemical variation, residue mobility, and thermodynamic stability) indicates that this missense variant is not expected to disrupt PHOX2B protein function with a negative predictive value of 80%. In summary, the available evidence is currently insufficient to determine the role of this variant in disease. Therefore, it has been classified as a Variant of Uncertain Significance.

Ambry Genetics
Classification: Uncertain significance for Hereditary cancer-predisposing syndrome. Last evaluated: 2024-03-16. Review status: criteria provided, single submitter. Criteria: Ambry Variant Classification Scheme 2023. Collection method: clinical testing. Allele origin: germline.
Comment: The p.R115K variant (also known as c.344G>A), located in coding exon 2 of the PHOX2B gene, results from a G to A substitution at nucleotide position 344. The arginine at codon 115 is replaced by lysine, an amino acid with highly similar properties. This amino acid position is conserved. In addition, the in silico prediction for this alteration is inconclusive. Since supporting evidence is limited at this time, the clinical significance of this alteration remains unclear.